The following is an entry in ClinVar:

NM_005157.6(ABL1):c.1517T>C (p.Val506Ala)

Gene: ABL1 (ABL proto-oncogene 1, non-receptor tyrosine kinase; plus strand). Cytogenetic location: 9q34.12.
Variant type: single nucleotide variant.
Coding change: c.1517T>C on transcript NM_005157.6 (MANE Select); coding-DNA position 1517, T replaced by C.
Protein change: p.Val506Ala; replaces valine 506 with alanine.
Molecular consequence: missense variant.
Genome position (GRCh38, 1-based): chr9:130,880,503, T>C. VCF-style: chr9-130880503-T-C. GRCh37 (hg19) VCF-style: chr9-133755890-T-C.
Other names: c.1574T>C, p.Val525Ala (NM_007313.3); short protein forms V506A, V525A.
Identifiers: ClinVar variation 983212 (VCV000983212.3), dbSNP rs1831432776, ClinGen allele CA375251758.

ClinVar aggregate classification (germline): Pathogenic/Likely pathogenic. Review status: criteria provided, multiple submitters, no conflicts (2 of 4 stars). 2 submissions from 2 submitters: Pathogenic (1); Likely pathogenic (1). Last evaluated 2020-01-01.

Conditions:
Microcephaly. Also called: Microcephaly (disease). Identifiers: MedGen C4551563, MONDO:0001149, HP:0000252.
Congenital heart defects and skeletal malformations syndrome. Identifiers: Orphanet 643503, MedGen C4539857, MONDO:0060532, OMIM 617602.

Submissions (2):

Human Development and Health, University of Southampton
Classification: Likely pathogenic for Congenital heart defects and skeletal malformations syndrome. Last evaluated: 2020-01-01. Review status: criteria provided, single submitter. Criteria: ACMG Guidelines, 2015. Collection method: clinical testing, in vitro. Allele origin: de novo, not applicable. Affected: yes. Observed: 1 heterozygote.
Comment: Highly conserved nucleotide (phyloP 4.998) with amino acid conserved to X. tropicalis, variant absent from ExAC, SIFT predicted damaging (0.007), Mutation Taster predicted Disease causing (P:0.999), CADD score 28.5, de novo, phenotype fits with ABL1-related malformation syndrome. Part of a cohort submitted for publication.

Bicknell laboratory, University of Otago
Classification: Pathogenic for Microcephaly. Review status: criteria provided, single submitter. Criteria: ACMG Guidelines, 2015. Collection method: research. Allele origin: de novo. Affected: yes.

Literature cited by the submitters: PubMed 33223528 (cited by Bicknell laboratory, University of Otago).